The following is an entry in ClinVar:

NM_033109.5(PNPT1):c.298-2A>T

Gene: PNPT1 (polyribonucleotide nucleotidyltransferase 1; minus strand). Cytogenetic location: 2p16.1.
Variant type: single nucleotide variant.
Coding change: c.298-2A>T on transcript NM_033109.5 (MANE Select); the canonical splice acceptor site of the intron before coding-DNA position 298, A replaced by T.
Molecular consequence: splice acceptor variant.
Genome position (GRCh38, 1-based): chr2:55,685,050, T>A on the plus strand (A>T on the coding strand, the complement: PNPT1 is on the minus strand). VCF-style: chr2-55685050-T-A. GRCh37 (hg19) VCF-style: chr2-55912185-T-A.
Identifiers: ClinVar variation 1034189 (VCV001034189.1), dbSNP rs1478363532, ClinGen allele CA346941487.

ClinVar aggregate classification (germline): Pathogenic (1 of 4 stars; one submission).

Conditions:
Autosomal recessive nonsyndromic hearing loss 70. Also called: Deafness, autosomal recessive 70. Identifiers: Orphanet 90636, MedGen C1824925, MONDO:0013978, OMIM 614934.

Submission:

Baylor Genetics
Classification: Pathogenic for Autosomal recessive nonsyndromic hearing loss 70. Last evaluated: 2018-12-07. Review status: criteria provided, single submitter. Criteria: ACMG Guidelines, 2015. Collection method: clinical testing. Allele origin: maternal. Affected: yes.
Comment: This variant was determined to be pathogenic according to ACMG Guidelines, 2015 [PMID:25741868].